The following is an entry in ClinVar:

NM_016222.4(DDX41):c.1033G>A (p.Glu345Lys)

Gene: DDX41 (DEAD-box helicase 41; minus strand). Cytogenetic location: 5q35.3.
Variant type: single nucleotide variant.
Coding change: c.1033G>A on transcript NM_016222.4 (MANE Select); coding-DNA position 1033, G replaced by A.
Protein change: p.Glu345Lys; replaces glutamic acid 345 with lysine.
Molecular consequence: missense variant.
Genome position (GRCh38, 1-based): chr5:177,513,750, C>T on the plus strand (G>A on the coding strand, the complement: DDX41 is on the minus strand). VCF-style: chr5-177513750-C-T. GRCh37 (hg19) VCF-style: chr5-176940751-C-T.
Other names: c.1033G>A (NM_016222.3); c.655G>A, p.Glu219Lys (NM_001321732.2, NM_001321830.2); short protein forms E219K, E345K.
Identifiers: ClinVar variation 1337455 (VCV001337455.8), dbSNP rs370129260, ClinGen allele CA3584921.
Genomic context (GRCh38, chr5:177,513,750, plus strand): 5'-AGTAGGAGAAGATGGTACGGATGTCACCCTCGAAGCCCATGTCGATCATGCGGTCAGCCT[C>T]GTCCAGGGCCAGGTAGCGACAGATGTCTAGGCTGACCATCTTCTTCTGCAGCAAATCCAT-3'
Protein context (NP_057306.2, residues 335-355): LDICRYLALD[Glu345Lys]ADRMIDMGFE

ClinVar aggregate classification (germline): Conflicting classifications of pathogenicity. Review status: criteria provided, conflicting classifications (1 of 4 stars). 5 submissions from 5 submitters: Likely pathogenic (1); Uncertain significance (3). 1 of the submissions does not count toward it. Last evaluated 2025-05-13.

Conditions:
Inborn genetic diseases. Identifiers: MedGen C0950123, MeSH D030342.
DDX41-related hematologic malignancy predisposition syndrome. Also called: Myeloproliferative/lymphoproliferative neoplasms, familial (multiple types), susceptibility to; DDX41-Associated Familial Myelodysplastic Syndrome and Acute Myeloid Leukemia. Identifiers: Orphanet 488647, MedGen C4225174, MONDO:0014809, OMIM 616871.

Allele frequency attached by ClinVar (database versions not stated): gnomAD exomes below 0.00001; TOPMed below 0.00001; ExAC 0.00001; gnomAD 0.00001; ESP Exome Variant Server 0.00008.
gnomAD v4.1: 5 of 1,613,790 alleles (0.00031%); highest among the groups gnomAD compares: Non-Finnish European, 0.00042%; no homozygotes.

Submissions (5):

Saint-Louis Hospital, Assistance Publique Hôpitaux de Paris
Classification: Likely pathogenic for DDX41-related hematologic malignancy predisposition syndrome. Last evaluated: 2025-05-13. Review status: criteria provided, single submitter. Criteria: ACMG Guidelines, 2015. Collection method: clinical testing. Allele origin: germline. Affected: yes.
Comment: The variant DDX41 (NM_016222.4):c.1033G>A:p.(Glu345Lys) is absent in control population database. This variant seems to impair cellular proliferation and cell cycle in HEK293T cells in one functional study (Tierens A et al, 2023, PMID: 37434984). in individuals with suspected or confirmed predisposition to myeloid malignancies (Duployez et al, 2022, PMID: 35443031) and notably in association with a second (somatic) hit in DDX41, which is a common way of clonal evolution of the bone marrow in DDX41-myeloid malignancies predispositions (Duployez et al, 2022, PMID: 35443031).

Ambry Genetics
Classification: Uncertain significance for Inborn genetic diseases. Last evaluated: 2025-01-23. Review status: criteria provided, single submitter. Criteria: Ambry Variant Classification Scheme 2023. Collection method: clinical testing. Allele origin: germline.
Comment: The p.E345K variant (also known as c.1033G>A), located in coding exon 10 of the DDX41 gene, results from a G to A substitution at nucleotide position 1033. The glutamic acid at codon 345 is replaced by lysine, an amino acid with similar properties. This alteration has been reported in AML cohorts (Duployez N et al. Blood, 2022 Aug;140:756-768; Tierens A et al. Front Oncol, 2023 Jun;13:1153082). It has also been reported in United Kingdom Biobank participants in one study of DDX41 variants in the general population (Cheloor Kovilakam S et al. Blood, 2023 Oct;142:1185-1192). This variant demonstrated impaired cellular proliferation and cell cycle in HEK293T cells in one functional study (Tierens A et al. Front Oncol, 2023 Jun;13:1153082). This variant was also reported in the compound heterozygous state in an individual with multisystem congenital anomalies including bone dysplasia, ichthyosis and dysmorphic features (Sharma P et al. Hum Genet, 2024 Dec;143:1445-1457). This amino acid position is highly conserved in available vertebrate species. In addition, this alteration is predicted to be deleterious by in silico analysis. Based on the available evidence, the clinical significance of this variant remains unclear.

St. Jude Molecular Pathology, St. Jude Children's Research Hospital
Classification: Uncertain significance for DDX41-related hematologic malignancy predisposition syndrome. Last evaluated: 2024-08-09. Review status: criteria provided, single submitter. Criteria: St. Jude Assertion Criteria 2020. Collection method: clinical testing. Allele origin: germline.
Comment: The DDX41 c.1033G>A (p.Glu345Lys) missense change is absent in gnomAD v2.1.1. The in silico tool REVEL predicts a deleterious effect on protein function. This variant is located within the DEAD box domain of DDX41 (PMID: 27721487; 27928732; 36455200). This variant has been reported in individuals with acute myeloid leukemia (PMID: 35443031, 37434984). In summary, the evidence currently available is insufficient to determine the clinical significance of this variant. It has therefore been classified as of uncertain significance.

Genetic Services Laboratory, University of Chicago
Classification: Uncertain significance. Last evaluated: 2019-12-03. Review status: criteria provided, single submitter. Criteria: ACMG Guidelines, 2015. Collection method: clinical testing. Allele origin: germline. Affected: no.

Clinical Genomics Labs, University Health Network
Classification: Uncertain significance for DDX41-related hematologic malignancy predisposition syndrome. Last evaluated: 2019-05-13. Review status: no assertion criteria provided. Criteria: ACMG Guidelines, 2015. Collection method: clinical testing. Allele origin: germline. Affected: yes. Not counted in ClinVar's aggregate classification.

Literature cited by the submitters: PubMed 37434984 (cited by Saint-Louis Hospital, Assistance Publique Hôpitaux de Paris and Ambry Genetics); PubMed 35443031 (cited by Saint-Louis Hospital, Assistance Publique Hôpitaux de Paris and Ambry Genetics); PubMed 37506341 (cited by Ambry Genetics); PubMed 39453476 (cited by Ambry Genetics).